The following is an entry in ClinVar:

NM_018979.4(WNK1):c.473G>C (p.Ser158Thr)

Gene: WNK1 (WNK lysine deficient protein kinase 1; plus strand). Cytogenetic location: 12p13.33.
Variant type: single nucleotide variant.
Coding change: c.473G>C on transcript NM_018979.4 (MANE Select); coding-DNA position 473, G replaced by C.
Protein change: p.Ser158Thr; replaces serine 158 with threonine.
Molecular consequence: missense variant.
Genome position (GRCh38, 1-based): chr12:754,038, G>C. VCF-style: chr12-754038-G-C. GRCh37 (hg19) VCF-style: chr12-863204-G-C.
Other names: c.473G>C, p.Ser158Thr (NM_001184985.2, NM_014823.3, NM_213655.5); short protein forms S158T.
Identifiers: ClinVar variation 848039 (VCV000848039.14), dbSNP rs920732487, ClinGen allele CA231464226.
Genomic context (GRCh38, chr12:754,038, plus strand): 5'-CAGCCGCTGCCGCCCCTGGGGAACAGGCCGTCGCGGGCCCTGCCCCCTCGACTGTCCCCA[G>C]CAGTACCAGCAAAGACCGCCCAGTGTCCCAGCCTAGCCTTGTGGGGAGCAAAGAGGAGCC-3'
Protein context (NP_061852.3, residues 148-168): VAGPAPSTVP[Ser158Thr]STSKDRPVSQ

ClinVar aggregate classification (germline): Conflicting classifications of pathogenicity. Review status: criteria provided, conflicting classifications (1 of 4 stars). 4 submissions from 4 submitters: Uncertain significance (3); Likely benign (1). Last evaluated 2026-03-21.

Conditions:
WNK1-related disorder. Also called: WNK1-related condition.
Pseudohypoaldosteronism type 2C (PHA2C). Also called: Pseudohypoaldosteronism Type IIC. Identifiers: Orphanet 757, Orphanet 88940, MedGen C1840391, MONDO:0013778, OMIM 614492.
Neuropathy, hereditary sensory and autonomic, type 2A (HSAN2A). Also called: ACROOSTEOLYSIS, GIACCAI TYPE; ACROOSTEOLYSIS, NEUROGENIC; MORVAN DISEASE; WNK1-Related HSAN2 (HSAN2A); NEUROPATHY, CONGENITAL SENSORY; NEUROPATHY, HEREDITARY SENSORY RADICULAR, AUTOSOMAL RECESSIVE. Identifiers: Orphanet 970, MedGen C2752089, MONDO:0024309, OMIM 201300.
Inborn genetic diseases. Identifiers: MedGen C0950123, MeSH D030342.

Allele frequency attached by ClinVar (database versions not stated): gnomAD exomes below 0.00001; gnomAD 0.00003 and 0.00004; TOPMed 0.00006.
gnomAD v4.1: 86 of 1,593,634 alleles (0.0054%); highest among the groups gnomAD compares: Non-Finnish European, 0.0073%; no homozygotes.

Submissions (4):

PreventionGenetics, part of Exact Sciences
Classification: Uncertain significance for WNK1-related condition. Last evaluated: 2026-03-21. Review status: criteria provided, single submitter. Criteria: ACMG Guidelines, 2015. Collection method: clinical testing. Allele origin: germline.
Comment: The WNK1 c.473G>C variant is predicted to result in the amino acid substitution p.Ser158Thr. To our knowledge, this variant has not been reported in the literature. This variant is reported in 0.0019% of alleles in individuals of European (Non-Finnish) descent in gnomAD. At this time, the clinical significance of this variant is uncertain due to the absence of conclusive functional and genetic evidence.

Labcorp Genetics (formerly Invitae), Labcorp
Classification: Uncertain significance for Neuropathy, hereditary sensory and autonomic, type 2A; Pseudohypoaldosteronism type 2C. Last evaluated: 2025-09-22. Review status: criteria provided, single submitter. Criteria: Invitae Variant Classification Sherloc (09022015). Collection method: clinical testing. Allele origin: germline.
Comment: This sequence change replaces serine, which is neutral and polar, with threonine, which is neutral and polar, at codon 158 of the WNK1 protein (p.Ser158Thr). This variant is present in population databases (no rsID available, gnomAD 0.001%). This variant has not been reported in the literature in individuals affected with WNK1-related conditions. ClinVar contains an entry for this variant (Variation ID: 848039). Invitae Evidence Modeling of protein sequence and biophysical properties (such as structural, functional, and spatial information, amino acid conservation, physicochemical variation, residue mobility, and thermodynamic stability) indicates that this missense variant is not expected to disrupt WNK1 protein function with a negative predictive value of 95%. In summary, the available evidence is currently insufficient to determine the role of this variant in disease. Therefore, it has been classified as a Variant of Uncertain Significance.

Ambry Genetics
Classification: Likely benign for Inborn genetic diseases. Last evaluated: 2024-01-04. Review status: criteria provided, single submitter. Criteria: Ambry Variant Classification Scheme 2023. Collection method: clinical testing. Allele origin: germline.

Illumina Laboratory Services, Illumina
Classification: Uncertain significance for Pseudohypoaldosteronism type 2C. Last evaluated: 2017-04-28. Review status: criteria provided, single submitter. Criteria: ICSL Variant Classification Criteria 13 December 2019. Collection method: clinical testing. Allele origin: germline.